The following is an entry in ClinVar:

NM_017612.5(ZCCHC8):c.848T>C (p.Phe283Ser)

Gene: ZCCHC8 (zinc finger CCHC-type containing 8; minus strand). Cytogenetic location: 12q24.31.
Variant type: single nucleotide variant.
Coding change: c.848T>C on transcript NM_017612.5 (MANE Select); coding-DNA position 848, T replaced by C.
Protein change: p.Phe283Ser; replaces phenylalanine 283 with serine.
Molecular consequence: missense variant.
Genome position (GRCh38, 1-based): chr12:122,481,972, A>G on the plus strand (T>C on the coding strand, the complement: ZCCHC8 is on the minus strand). VCF-style: chr12-122481972-A-G. GRCh37 (hg19) VCF-style: chr12-122966519-A-G.
Other names: c.617T>C, p.Phe206Ser (NM_001350935.2); c.551T>C, p.Phe184Ser (NM_001350936.2); c.134T>C, p.Phe45Ser (NM_001350937.2, NM_001350938.2); short protein forms F184S, F206S, F283S, F45S.
Identifiers: ClinVar variation 3619486 (VCV003619486.2).

ClinVar aggregate classification (germline): Uncertain significance (1 of 4 stars; one submission).

gnomAD v4.1: 4 of 1,613,142 alleles (0.00025%); highest among the groups gnomAD compares: East Asian, 0.0022%; no homozygotes.

Submission:

Labcorp Genetics (formerly Invitae), Labcorp
Classification: Uncertain significance. Last evaluated: 2024-08-29. Review status: criteria provided, single submitter. Criteria: Invitae Variant Classification Sherloc (09022015). Collection method: clinical testing. Allele origin: germline.
Comment: This sequence change replaces phenylalanine, which is neutral and non-polar, with serine, which is neutral and polar, at codon 283 of the ZCCHC8 protein (p.Phe283Ser). This variant is present in population databases (no rsID available, gnomAD 0.003%). This variant has not been reported in the literature in individuals affected with ZCCHC8-related conditions. Invitae Evidence Modeling of protein sequence and biophysical properties (such as structural, functional, and spatial information, amino acid conservation, physicochemical variation, residue mobility, and thermodynamic stability) indicates that this missense variant is expected to disrupt ZCCHC8 protein function with a positive predictive value of 80%. In summary, the available evidence is currently insufficient to determine the role of this variant in disease. Therefore, it has been classified as a Variant of Uncertain Significance.